The following is an entry in ClinVar:

NM_000138.5(FBN1):c.7453+1del

Gene: FBN1 (fibrillin 1; minus strand). Cytogenetic location: 15q21.1.
Variant type: Deletion.
Coding change: c.7453+1del on transcript NM_000138.5 (MANE Select); the canonical splice donor site of the intron after coding-DNA position 7453, one base deleted (G; older notation c.7453+1delG).
Molecular consequence: splice donor variant.
Genome position (GRCh38, 1-based): chr15:48,425,368, C deleted on the plus strand (G on the coding strand, the reverse complement: FBN1 is on the minus strand); the first of 2 consecutive C bases (chr15:48,425,368-48,425,369); deleting either gives the same sequence. VCF-style (leftmost placement, unchanged base first): chr15-48425367-AC-A. GRCh37 (hg19) VCF-style: chr15-48717564-AC-A.
Other names: c.7453+1del (NM_001406716.1).
Identifiers: ClinVar variation 967556 (VCV000967556.8), dbSNP rs2042970813, ClinGen allele CA1139663918.

ClinVar aggregate classification (germline): Pathogenic (1 of 4 stars; one submission).

Conditions:
Marfan syndrome (MFS). Also called: FBN1-Related Marfan Syndrome; MARFAN SYNDROME, TYPE I; Marfan syndrome type 1; Marfan's syndrome; Marfan syndrome, classic. Identifiers: Orphanet 284963, Orphanet 558, MedGen C0024796, MONDO:0007947, OMIM 154700.
Familial thoracic aortic aneurysm and aortic dissection (TAAD). Also called: Thoracic aortic aneurysms and dissections. Identifiers: Orphanet 91387, MedGen C4707243, MONDO:0019625.

Submission:

Labcorp Genetics (formerly Invitae), Labcorp
Classification: Pathogenic for Marfan syndrome; Familial thoracic aortic aneurysm and aortic dissection. Last evaluated: 2025-09-12. Review status: criteria provided, single submitter. Criteria: Invitae Variant Classification Sherloc (09022015). Collection method: clinical testing. Allele origin: germline.
Comment: This sequence change creates a premature translational stop signal (Splice site) in the FBN1 gene. It is expected to result in an absent or disrupted protein product. Loss-of-function variants in FBN1 are known to be pathogenic (PMID: 17657824, 19293843). This variant is not present in population databases (gnomAD no frequency). This variant has not been reported in the literature in individuals affected with FBN1-related conditions. ClinVar contains an entry for this variant (Variation ID: 967556). Algorithms developed to predict the effect of sequence changes on RNA splicing suggest that this variant may disrupt the consensus splice site. For these reasons, this variant has been classified as Pathogenic.

Literature cited by the submitters: PubMed 17657824; PubMed 19293843.